The following is an entry in ClinVar:

ClinVar aggregate classification (germline): Uncertain significance. Review status: criteria provided, multiple submitters, no conflicts (2 of 4 stars). 4 submissions from 4 submitters: Uncertain significance (4). Last evaluated 2025-03-03.

Conditions:
Classic or attenuated familial adenomatous polyposis. Identifiers: MedGen CN372698, MONDO:0021057.
Hereditary cancer-predisposing syndrome. Also called: Hereditary neoplastic syndrome; Neoplastic Syndromes, Hereditary; Tumor predisposition; Hereditary Cancer Syndrome. Identifiers: Orphanet 140162, MedGen C0027672, MeSH D009386, MONDO:0015356.
Familial adenomatous polyposis 1 (FAP1). Also called: POLYPOSIS, ADENOMATOUS INTESTINAL; FAMILIAL ADENOMATOUS POLYPOSIS 1, ATTENUATED. Identifiers: MedGen C2713442, MONDO:0021056, OMIM 175100. Disease mechanism: loss of function.

Submissions (4):

Ambry Genetics
Classification: Uncertain significance for Hereditary cancer-predisposing syndrome. Last evaluated: 2025-03-03. Review status: criteria provided, single submitter. Criteria: Ambry Variant Classification Scheme 2023. Collection method: clinical testing. Allele origin: germline.
Comment: The p.R2393G variant (also known as c.7177A>G), located in coding exon 15 of the APC gene, results from an A to G substitution at nucleotide position 7177. The arginine at codon 2393 is replaced by glycine, an amino acid with dissimilar properties. This amino acid position is highly conserved in available vertebrate species. In addition, in silico predictors for this gene do not accurately predict pathogenicity. Missense alterations in APC are not a common cause of disease (Spier I et al. Genet Med. 2024 Feb;26(2):100992). Based on the available evidence, the clinical significance of this variant remains unclear.

All of Us Research Program, National Institutes of Health
Classification: Uncertain significance for Classic or attenuated familial adenomatous polyposis. Last evaluated: 2024-09-23. Review status: criteria provided, single submitter. Criteria: ACMG Guidelines, 2015. Collection method: clinical testing. Allele origin: germline. Inheritance: Autosomal dominant inheritance. Observed: 1 variant allele, 1 heterozygote.
Comment: This missense variant replaces arginine with glycine at codon 2393 of the APC protein. Computational prediction tool is inconclusive regarding the impact of this variant on protein structure and function (internally defined REVEL score threshold 0.5 < inconclusive < 0.7, PMID: 27666373). Splice site prediction tools suggest that this variant may not impact RNA splicing. To our knowledge, functional studies have not been performed for this variant. This variant has not been reported in individuals affected with hereditary cancer in the literature. This variant has not been identified in the general population by the Genome Aggregation Database (gnomAD). The available evidence is insufficient to determine the role of this variant in disease conclusively. Therefore, this variant is classified as a Variant of Uncertain Significance.

This study involves interpretation of variants in research participants for the purpose of population health screening. Participant phenotype was not available at the time of variant classification. Additional details can be found in publication PMID: 35346344, PMCID: PMC8962531

Baylor Genetics
Classification: Uncertain significance for Familial adenomatous polyposis 1. Last evaluated: 2023-06-26. Review status: criteria provided, single submitter. Criteria: ACMG Guidelines, 2015. Collection method: clinical testing. Allele origin: unknown.

Labcorp Genetics (formerly Invitae), Labcorp
Classification: Uncertain significance for Familial adenomatous polyposis 1. Last evaluated: 2023-03-31. Review status: criteria provided, single submitter. Criteria: Invitae Variant Classification Sherloc (09022015). Collection method: clinical testing. Allele origin: germline.
Comment: In summary, the available evidence is currently insufficient to determine the role of this variant in disease. Therefore, it has been classified as a Variant of Uncertain Significance. Advanced modeling of protein sequence and biophysical properties (such as structural, functional, and spatial information, amino acid conservation, physicochemical variation, residue mobility, and thermodynamic stability) performed at Invitae indicates that this missense variant is not expected to disrupt APC protein function. This sequence change replaces arginine, which is basic and polar, with glycine, which is neutral and non-polar, at codon 2393 of the APC protein (p.Arg2393Gly). This variant is not present in population databases (gnomAD no frequency). This variant has not been reported in the literature in individuals affected with APC-related conditions. ClinVar contains an entry for this variant (Variation ID: 835056).

NM_000038.6(APC):c.7177A>G (p.Arg2393Gly)

Gene: APC (APC regulator of Wnt signaling pathway; plus strand). Cytogenetic location: 5q22.2.
Variant type: single nucleotide variant.
Coding change: c.7177A>G on transcript NM_000038.6 (MANE Select); coding-DNA position 7177, A replaced by G.
Protein change: p.Arg2393Gly; replaces arginine 2393 with glycine.
Molecular consequence: missense variant.
Genome position (GRCh38, 1-based): chr5:112,842,771, A>G. VCF-style: chr5-112842771-A-G. GRCh37 (hg19) VCF-style: chr5-112178468-A-G.
Other names: c.7177A>G, p.Arg2393Gly (NM_001127510.3, NM_001354895.2); c.7123A>G, p.Arg2375Gly (NM_001127511.3); c.7231A>G, p.Arg2411Gly (NM_001354896.2); c.7207A>G, p.Arg2403Gly (NM_001354897.2); c.7102A>G, p.Arg2368Gly (NM_001354898.2); c.7093A>G, p.Arg2365Gly (NM_001354899.2); c.7054A>G, p.Arg2352Gly (NM_001354900.2); c.7000A>G, p.Arg2334Gly (NM_001354901.2); and 5 more; short protein forms R2292G, R2302G, R2365G, R2375G, R2393G, R2110G, R2334G, R2233G.
Identifiers: ClinVar variation 835056 (VCV000835056.15), dbSNP rs1766400536, ClinGen allele CA16036960.
Genomic context (GRCh38, chr5:112,842,771, plus strand): 5'-ATGAGCCAACAGAACCTTACCAAACAAACAGGTTTATCCAAGAATGCCAGTAGTATTCCA[A>G]GAAGTGAGTCTGCCTCCAAAGGACTAAATCAGATGAATAATGGTAATGGAGCCAATAAAA-3'
Protein context (NP_000029.2, residues 2383-2403): GLSKNASSIP[Arg2393Gly]SESASKGLNQ